The following is an entry in ClinVar:

NM_003265.3(TLR3):c.633+136G>T

Gene: TLR3 (toll like receptor 3; plus strand). Cytogenetic location: 4q35.1.
Variant type: single nucleotide variant.
Coding change: c.633+136G>T on transcript NM_003265.3 (MANE Select); 136 bases into the intron after coding-DNA position 633, G replaced by T.
Molecular consequence: intron variant.
Genome position (GRCh38, 1-based): chr4:186,079,167, G>T. VCF-style: chr4-186079167-G-T. GRCh37 (hg19) VCF-style: chr4-187000321-G-T.
Identifiers: ClinVar variation 4277341 (VCV004277341.1).
Genomic context (GRCh38, chr4:186,079,167, plus strand): 5'-ATGTAATGCTCTCTAGCCTCTGCCTGTCTTCCAGCAATCCTTCCCACCTACTGCTTGGGG[G>T]CATTGGTGTCATCCTCCTGAGAGCTCAGGCAGCCCCAGGAGAGGTCGGGAGACGGGACTC-3'

ClinVar aggregate classification (germline): Uncertain significance (1 of 4 stars; one submission).

Conditions:
Hepatitis C virus, susceptibility to. Also called: HCV, SUSCEPTIBILITY TO. Identifiers: MedGen C1835407, MONDO:0012292, OMIM 609532.

Submission:

Molecular Biology, National Hepatology and Tropical Medicine Research Institute
Classification: Uncertain significance for Hepatitis C virus, susceptibility to. Last evaluated: 2025-09-29. Review status: criteria provided, single submitter. Criteria: ACMG Guidelines, 2015. Collection method: case-control. Allele origin: germline. Affected: no. Observed: 6 variant alleles.
Comment: The Toll-like receptor 3 (TLR3) gene polymorphism rs1879026 has been the subject of scrutiny concerning its potential role in the (HCV) disease progression. In our study, we employed the taqman genotyping method to investigate this polymorphism's association with the severity of HCV-related liver disease in an Egyptian cohort. Our findings revealed an abundance of cases categorized within the non-pathogenic and uncertain significance spectrums for fibrotic cases, suggesting a lack of conclusive evidence to implicate this polymorphism as a determinant of liver fibrosis progression. Similarly, among individuals diagnosed with cirrhosis, the majority of cases also fell within the non-pathogenic and uncertain significance categories, further reinforcing the notion that rs1879026 may not directly influence the clinical trajectory of HCV infection. Conversely, within the hepatitis C carrier group (HCc), the majority exhibited a benign profile, with only three cases identified as mutant, but still lacking clear pathological significance. Collectively, these findings lead us to conclude that TLR3 rs1879026 does not exert a discernible impact on HCV disease progression in Egyptian patients and should not be used as a predictive marker for the progression of HCV-related liver disease. TLR3 genotypes did not show a clear pattern across disease groups. The GG genotype was most frequent in the control group (29%) and occurred at comparable rates in patient groups (20% in fibrosis group, 26% in cirrhosis group and 26% in HCC group). The TT genotype was observed in 33% of fibrosis patients and 50% of HCC patients, but the overall distribution lacked a consistent trend. No statistically significant differences were found in TLR3 genotype distribution among the groups (p > 0.05). Moreover, Logistic regression found no significant associations between TLR3 genotype and disease risk (all p > 0.5).

Literature cited by the submitters: DOI 10.31557/APJCP.2023.24.11.3925.